The following is an entry in ClinVar:

ClinVar aggregate classification (germline): Uncertain significance (1 of 4 stars; one submission).

Conditions:
Brugada syndrome 8 (BRGDA8). Identifiers: Orphanet 130, MedGen C2751083, MONDO:0013148, OMIM 613123.

Submission:

Labcorp Genetics (formerly Invitae), Labcorp
Classification: Uncertain significance for Brugada syndrome 8. Last evaluated: 2023-06-06. Review status: criteria provided, single submitter. Criteria: Invitae Variant Classification Sherloc (09022015). Collection method: clinical testing. Allele origin: germline.
Comment: In summary, the available evidence is currently insufficient to determine the role of this variant in disease. Therefore, it has been classified as a Variant of Uncertain Significance. This sequence change creates a premature translational stop signal (p.Gly953Aspfs*32) in the HCN4 gene. While this is not anticipated to result in nonsense mediated decay, it is expected to disrupt the last 251 amino acid(s) of the HCN4 protein. This variant is not present in population databases (gnomAD no frequency). This variant has not been reported in the literature in individuals affected with HCN4-related conditions. Experimental studies and prediction algorithms are not available or were not evaluated, and the functional significance of this variant is currently unknown.

NM_005477.3(HCN4):c.2858del (p.Gly953fs)

Gene: HCN4 (hyperpolarization activated cyclic nucleotide gated potassium channel 4; minus strand). Cytogenetic location: 15q24.1.
Variant type: Deletion.
Coding change: c.2858del on transcript NM_005477.3 (MANE Select); coding-DNA position 2858, one base deleted (G; older notation c.2858delG).
Protein change: p.Gly953fs; shifts the reading frame from glycine 953.
Molecular consequence: frameshift variant.
Genome position (GRCh38, 1-based): chr15:73,323,235, C deleted on the plus strand (G on the coding strand, the reverse complement: HCN4 is on the minus strand); the first of 3 consecutive C bases (chr15:73,323,235-73,323,237); deleting any one gives the same sequence. VCF-style (leftmost placement, unchanged base first): chr15-73323234-TC-T. GRCh37 (hg19) VCF-style: chr15-73615575-TC-T.
Other names: short protein forms G953fs.
Identifiers: ClinVar variation 2693067 (VCV002693067.3), dbSNP rs2549068500, ClinGen allele CA2629370557.